The following is an entry in ClinVar:

ClinVar aggregate classification (germline): Pathogenic/Likely pathogenic. Review status: criteria provided, multiple submitters, no conflicts (2 of 4 stars). 4 submissions from 4 submitters: Pathogenic (2); Likely pathogenic (1). 1 of the submissions does not count toward it. Last evaluated 2025-01-27.

Conditions:
Amyotrophic lateral sclerosis type 1 (ALS1). Also called: AMYOTROPHIC LATERAL SCLEROSIS 1, FAMILIAL. Identifiers: Orphanet 803, MedGen C1862939, MONDO:0007103, OMIM 105400.

Allele frequency attached by ClinVar (database versions not stated): gnomAD exomes below 0.00001.

Submissions (4):

Labcorp Genetics (formerly Invitae), Labcorp
Classification: Pathogenic for Amyotrophic lateral sclerosis type 1. Last evaluated: 2025-01-27. Review status: criteria provided, single submitter. Criteria: Invitae Variant Classification Sherloc (09022015). Collection method: clinical testing. Allele origin: germline.
Comment: This sequence change replaces leucine, which is neutral and non-polar, with valine, which is neutral and non-polar, at codon 39 of the SOD1 protein (p.Leu39Val). This variant is present in population databases (rs121912432, gnomAD 0.0009%). This missense change has been observed in individuals with amyotrophic lateral sclerosis (PMID: 8446170, 9029070, 23100398, 28291249). This variant is also known as Leu38Val. ClinVar contains an entry for this variant (Variation ID: 14753). Invitae Evidence Modeling of protein sequence and biophysical properties (such as structural, functional, and spatial information, amino acid conservation, physicochemical variation, residue mobility, and thermodynamic stability) indicates that this missense variant is expected to disrupt SOD1 protein function with a positive predictive value of 95%. Experimental studies have shown that this missense change affects SOD1 function (PMID: 19196430, 19635794, 20184893, 20404910). This variant disrupts the p.Leu39 amino acid residue in SOD1. Other variant(s) that disrupt this residue have been determined to be pathogenic (PMID: 36376198). This suggests that this residue is clinically significant, and that variants that disrupt this residue are likely to be disease-causing. For these reasons, this variant has been classified as Pathogenic.

Athena Diagnostics
Classification: Pathogenic. Last evaluated: 2023-08-08. Review status: criteria provided, single submitter. Criteria: Athena Diagnostics Criteria. Collection method: clinical testing. Allele origin: unknown.
Comment: The frequency of this variant in the general population is consistent with pathogenicity. This variant has been identified in multiple unrelated individuals with autosomal dominant ALS. In some published literature, this variant is referred to as p.Leu38Val. At least one other missense variant at this codon is considered to be pathogenic or likely pathogenic. Assessment of experimental evidence suggests this variant results in abnormal protein function. (PMID: 19196430, 19635794, 20184893, 20404910)

CeGaT Center for Human Genetics Tuebingen
Classification: Likely pathogenic. Last evaluated: 2018-10-01. Review status: criteria provided, single submitter. Criteria: CeGaT Center For Human Genetics Tuebingen Variant Classification Criteria Version 2. Collection method: clinical testing. Allele origin: germline. Affected: yes. Observed: 1 variant allele.

OMIM
Classification: Pathogenic for AMYOTROPHIC LATERAL SCLEROSIS 1. Last evaluated: 1993-03-04. Review status: no assertion criteria provided. Collection method: literature only. Allele origin: germline. Not counted in ClinVar's aggregate classification.

Literature cited by the submitters: PubMed 8446170 (cited by 3 submitters); PubMed 9029070 (cited by Labcorp Genetics (formerly Invitae), Labcorp and Athena Diagnostics); PubMed 23100398 (cited by Labcorp Genetics (formerly Invitae), Labcorp and Athena Diagnostics); PubMed 28291249 (cited by Labcorp Genetics (formerly Invitae), Labcorp and Athena Diagnostics); PubMed 19196430 (cited by Labcorp Genetics (formerly Invitae), Labcorp and Athena Diagnostics); PubMed 19635794 (cited by Labcorp Genetics (formerly Invitae), Labcorp and Athena Diagnostics); PubMed 20184893 (cited by Labcorp Genetics (formerly Invitae), Labcorp and Athena Diagnostics); PubMed 20404910 (cited by Labcorp Genetics (formerly Invitae), Labcorp and Athena Diagnostics); PubMed 36376198 (cited by Labcorp Genetics (formerly Invitae), Labcorp).

NM_000454.5(SOD1):c.115C>G (p.Leu39Val)

Gene: SOD1 (superoxide dismutase 1; plus strand). Cytogenetic location: 21q22.11.
Variant type: single nucleotide variant.
Coding change: c.115C>G on transcript NM_000454.5 (MANE Select); coding-DNA position 115, C replaced by G.
Protein change: p.Leu39Val; replaces leucine 39 with valine.
Molecular consequence: missense variant.
Genome position (GRCh38, 1-based): chr21:31,663,832, C>G. VCF-style: chr21-31663832-C-G. GRCh37 (hg19) VCF-style: chr21-33036145-C-G.
Other names: L38V; c.115C>G (NM_000454.4); short protein forms L39V.
Identifiers: ClinVar variation 14753 (VCV000014753.50), dbSNP rs121912432, ClinGen allele CA257313.